The following is an entry in ClinVar:

NM_001042492.3(NF1):c.167G>T (p.Ser56Ile)

Gene: NF1 (neurofibromin 1; plus strand). Cytogenetic location: 17q11.2.
Variant type: single nucleotide variant.
Coding change: c.167G>T on transcript NM_001042492.3 (MANE Select); coding-DNA position 167, G replaced by T.
Protein change: p.Ser56Ile; replaces serine 56 with isoleucine.
Molecular consequence: missense variant.
Genome position (GRCh38, 1-based): chr17:31,156,089, G>T. VCF-style: chr17-31156089-G-T. GRCh37 (hg19) VCF-style: chr17-29483107-G-T.
Other names: c.167G>T, p.Ser56Ile (NM_000267.4, NM_001128147.3); short protein forms S56I.
Identifiers: ClinVar variation 4119083 (VCV004119083.1).
Genomic context (GRCh38, chr17:31,156,089, plus strand): 5'-CTGAGCACAACAAGGAATGTCTAATCAATATTTCCAAATACAAGTTTTCTTTGGTTATAA[G>T]CGGCCTCACTACTATTTTAAAGAATGTTAACAATATGGTGAGTATTTGGGTTACTGTGTT-3'
Protein context (NP_001035957.1, residues 46-66): ISKYKFSLVI[Ser56Ile]GLTTILKNVN

ClinVar aggregate classification (germline): Uncertain significance (1 of 4 stars; one submission).

Conditions:
Cardiovascular phenotype. Identifiers: MedGen CN230736.
Hereditary cancer-predisposing syndrome. Also called: Hereditary neoplastic syndrome; Neoplastic Syndromes, Hereditary; Tumor predisposition; Hereditary Cancer Syndrome. Identifiers: Orphanet 140162, MedGen C0027672, MeSH D009386, MONDO:0015356.

Submission:

Ambry Genetics
Classification: Uncertain significance for Cardiovascular phenotype; Hereditary cancer-predisposing syndrome. Last evaluated: 2025-07-01. Review status: criteria provided, single submitter. Criteria: Ambry Variant Classification Scheme 2023. Collection method: clinical testing. Allele origin: germline.
Comment: The p.S56I variant (also known as c.167G>T), located in coding exon 2 of the NF1 gene, results from a G to T substitution at nucleotide position 167. The serine at codon 56 is replaced by isoleucine, an amino acid with dissimilar properties. This amino acid position is conserved. In addition, the in silico prediction for this alteration is inconclusive. Based on the available evidence, the clinical significance of this variant remains unclear.